The following is an entry in ClinVar:

ClinVar aggregate classification (germline): Pathogenic (1 of 4 stars; one submission).

Submission:

ISCA site 17
Classification: Pathogenic. Last evaluated: 2011-08-12. Review status: criteria provided, single submitter. Criteria: Kaminsky et al. (Genet Med. 2011). Collection method: clinical testing. Allele origin: unknown. Affected: yes. Observed: 1 variant allele.
Comment: Copy number variation identified through the course of routine clinical cytogenomic testing in postnatal populations. Clinical assertions have been curated as described in Kaminsky et al. 2011.

GRCh38/hg38 8p23.3-22(chr8:241530-17678697)x3

Genes: FAM90A10 (family with sequence similarity 90 member A10; plus strand), FAM90A11 (family with sequence similarity 90 member A11; minus strand), FAM90A12 (family with sequence similarity 90 member A12; minus strand), FAM90A13 (family with sequence similarity 90 member A13; plus strand), FAM90A14 (family with sequence similarity 90 member A14; plus strand) and 470 more. Cytogenetic location: 8p23.3-22.
Variant type: copy number gain.
Change: copy number 3 (three copies instead of two) of chr8:241,530-17,678,697 (17.44 Mb, GRCh38 coordinates, 1-based), cytogenetic band 8p23.3-22.
Identifiers: ClinVar variation 59739 (VCV000059739.1).